The following is an entry in ClinVar:

ClinVar aggregate classification (germline): Uncertain significance (1 of 4 stars; one submission).

Conditions:
Emery-Dreifuss muscular dystrophy (EDMD). Also called: Scapuloperoneal syndrome, X-linked (formerly); Humeroperoneal neuromuscular disease, (formerly). Identifiers: Orphanet 261, MedGen C0410189, MONDO:0016830.

Allele frequency attached by ClinVar (database versions not stated): gnomAD exomes below 0.00001; ExAC 0.00001; gnomAD 0.00002.
gnomAD v4.1: 34 of 1,614,034 alleles (0.0021%); highest among the groups gnomAD compares: Non-Finnish European, 0.0025%; no homozygotes.

Submission:

Labcorp Genetics (formerly Invitae), Labcorp
Classification: Uncertain significance for Emery-Dreifuss muscular dystrophy. Last evaluated: 2020-08-19. Review status: criteria provided, single submitter. Criteria: Invitae Variant Classification Sherloc (09022015). Collection method: clinical testing. Allele origin: germline.
Comment: This variant is present in population databases (rs778335481, ExAC 0.002%). This sequence change replaces alanine with proline at codon 195 of the SUN2 protein (p.Ala195Pro). The alanine residue is moderately conserved and there is a small physicochemical difference between alanine and proline. In summary, the available evidence is currently insufficient to determine the role of this variant in disease. Therefore, it has been classified as a Variant of Uncertain Significance. Algorithms developed to predict the effect of missense changes on protein structure and function are either unavailable or do not agree on the potential impact of this missense change (SIFT: "Tolerated"; PolyPhen-2: "Probably Damaging"; Align-GVGD: "Class C0"). This variant has not been reported in the literature in individuals with SUN2-related conditions.

NM_015374.3(SUN2):c.583G>C (p.Ala195Pro)

Gene: SUN2 (Sad1 and UNC84 domain containing 2; minus strand). Cytogenetic location: 22q13.1.
Variant type: single nucleotide variant.
Coding change: c.583G>C on transcript NM_015374.3 (MANE Select); coding-DNA position 583, G replaced by C.
Protein change: p.Ala195Pro; replaces alanine 195 with proline.
Molecular consequence: missense variant.
Genome position (GRCh38, 1-based): chr22:38,749,797, C>G on the plus strand (G>C on the coding strand, the complement: SUN2 is on the minus strand). VCF-style: chr22-38749797-C-G. GRCh37 (hg19) VCF-style: chr22-39145802-C-G.
Other names: c.646G>C, p.Ala216Pro (NM_001199579.2); c.583G>C, p.Ala195Pro (NM_001199580.2); short protein forms A195P, A216P.
Identifiers: ClinVar variation 1010997 (VCV001010997.8), dbSNP rs778335481, ClinGen allele CA10235870.
Genomic context (GRCh38, chr22:38,749,797, plus strand): 5'-TTTATTGGCAAGGGTGGAGTCTCGCTCACCTGGTTAAAACGAAGACGTCAAGGAGGGAGG[C>G]AGCTGTGGTCAGGCGGTACCAGGTGGTGCCAGCCCACCAGTAGAGAAGTCTGAAGAGCCG-3'
Protein context (NP_056189.1, residues 185-205): GTTWYRLTTA[Ala195Pro]SLLDVFVLTR